The following is an entry in ClinVar:

NM_006939.4(SOS2):c.1246G>T (p.Ala416Ser)

Gene: SOS2 (SOS Ras/Rho guanine nucleotide exchange factor 2; minus strand). Cytogenetic location: 14q21.3.
Variant type: single nucleotide variant.
Coding change: c.1246G>T on transcript NM_006939.4 (MANE Select); coding-DNA position 1246, G replaced by T.
Protein change: p.Ala416Ser; replaces alanine 416 with serine.
Molecular consequence: missense variant.
Genome position (GRCh38, 1-based): chr14:50,160,037, C>A on the plus strand (G>T on the coding strand, the complement: SOS2 is on the minus strand). VCF-style: chr14-50160037-C-A. GRCh37 (hg19) VCF-style: chr14-50626755-C-A.
Other names: c.1147G>T, p.Ala383Ser (NM_001411020.1); short protein forms A383S, A416S.
Identifiers: ClinVar variation 4537873 (VCV004537873.1).

ClinVar aggregate classification (germline): Uncertain significance (1 of 4 stars; one submission).

Submission:

GeneDx
Classification: Uncertain significance. Last evaluated: 2025-06-15. Review status: criteria provided, single submitter. Criteria: GeneDx Variant Classification Process June 2021. Collection method: clinical testing. Allele origin: germline. Affected: yes.
Comment: Not observed at significant frequency in large population cohorts (gnomAD); In silico analysis suggests that this missense variant does not alter protein structure/function; Has not been previously published as pathogenic or benign to our knowledge